The following is an entry in ClinVar:

NM_000038.6(APC):c.8480G>T (p.Gly2827Val)

Gene: APC (APC regulator of Wnt signaling pathway; plus strand). Cytogenetic location: 5q22.2.
Variant type: single nucleotide variant.
Coding change: c.8480G>T on transcript NM_000038.6 (MANE Select); coding-DNA position 8480, G replaced by T.
Protein change: p.Gly2827Val; replaces glycine 2827 with valine.
Molecular consequence: missense variant.
Genome position (GRCh38, 1-based): chr5:112,844,074, G>T. VCF-style: chr5-112844074-G-T. GRCh37 (hg19) VCF-style: chr5-112179771-G-T.
Other names: c.8480G>T, p.Gly2827Val (NM_001127510.3, NM_001354895.2); c.8426G>T, p.Gly2809Val (NM_001127511.3); c.8534G>T, p.Gly2845Val (NM_001354896.2); c.8510G>T, p.Gly2837Val (NM_001354897.2); c.8405G>T, p.Gly2802Val (NM_001354898.2); c.8396G>T, p.Gly2799Val (NM_001354899.2); c.8357G>T, p.Gly2786Val (NM_001354900.2); c.8303G>T, p.Gly2768Val (NM_001354901.2); and 5 more; short protein forms G2845V, G2544V, G2667V, G2701V, G2726V, G2736V, G2768V, G2786V.
Identifiers: ClinVar variation 862430 (VCV000862430.11), dbSNP rs571511652, ClinGen allele CA16039728.

ClinVar aggregate classification (germline): Uncertain significance (1 of 4 stars; one submission).

Conditions:
Familial adenomatous polyposis 1 (FAP1). Also called: POLYPOSIS, ADENOMATOUS INTESTINAL; FAMILIAL ADENOMATOUS POLYPOSIS 1, ATTENUATED. Identifiers: MedGen C2713442, MONDO:0021056, OMIM 175100. Disease mechanism: loss of function.

Submission:

Labcorp Genetics (formerly Invitae), Labcorp
Classification: Uncertain significance for Familial adenomatous polyposis 1. Last evaluated: 2019-11-29. Review status: criteria provided, single submitter. Criteria: Invitae Variant Classification Sherloc (09022015). Collection method: clinical testing. Allele origin: germline.
Comment: In summary, the available evidence is currently insufficient to determine the role of this variant in disease. Therefore, it has been classified as a Variant of Uncertain Significance. Algorithms developed to predict the effect of sequence changes on RNA splicing suggest that this variant may create or strengthen a splice site, but this prediction has not been confirmed by published transcriptional studies. Algorithms developed to predict the effect of missense changes on protein structure and function are either unavailable or do not agree on the potential impact of this missense change (SIFT: "Deleterious"; PolyPhen-2: "Probably Damaging"; Align-GVGD: "Class C0"). This variant has not been reported in the literature in individuals with APC-related conditions. This variant is not present in population databases (ExAC no frequency). This sequence change replaces glycine with valine at codon 2827 of the APC protein (p.Gly2827Val). The glycine residue is highly conserved and there is a moderate physicochemical difference between glycine and valine.